The following is an entry in ClinVar:

ClinVar aggregate classification (germline): Likely benign (1 of 4 stars; one submission).

Conditions:
Ehlers-Danlos syndrome, type 4 (EDSVASC). Also called: Ehlers-Danlos Syndrome Type IV; Ehlers-Danlos syndrome vascular type; Ehlers Danlos syndrome, ecchymotic type; Ehlers Danlos syndrome, arterial type; Ehlers Danlos syndrome, Sack-Barabas type. Identifiers: Orphanet 286, MedGen C0268338, MONDO:0017314, OMIM 130050.

Allele frequency attached by ClinVar (database versions not stated): gnomAD exomes below 0.00001.
gnomAD v4.1: 1 of 1,613,574 alleles (0.000062%); highest among the groups gnomAD compares: Non-Finnish European, 0.000085%; no homozygotes.

Submission:

All of Us Research Program, National Institutes of Health
Classification: Likely benign for Ehlers-Danlos syndrome, type 4. Last evaluated: 2023-03-09. Review status: criteria provided, single submitter. Criteria: ACMG Guidelines, 2015. Collection method: clinical testing. Allele origin: germline. Inheritance: Autosomal dominant inheritance. Observed: 1 variant allele, 1 heterozygote.
Comment: This study involves interpretation of variants in research participants for the purpose of population health screening. Participant phenotype was not available at the time of variant classification. Additional details can be found in publication PMID: 35346344, PMCID: PMC8962531

NM_000090.4(COL3A1):c.1443T>C (p.Ala481=)

Gene: COL3A1 (collagen type III alpha 1 chain; plus strand). Cytogenetic location: 2q32.2.
Variant type: single nucleotide variant.
Coding change: c.1443T>C on transcript NM_000090.4 (MANE Select); coding-DNA position 1443, T replaced by C.
Protein change: p.Ala481=; no amino-acid change (alanine 481 retained).
Molecular consequence: synonymous variant.
Genome position (GRCh38, 1-based): chr2:188,994,819, T>C. VCF-style: chr2-188994819-T-C. GRCh37 (hg19) VCF-style: chr2-189859545-T-C.
Identifiers: ClinVar variation 3069881 (VCV003069881.1), dbSNP rs2469130380, ClinGen allele CA430309628.